The following is an entry in ClinVar:

NM_013339.4(ALG6):c.341del (p.Thr114fs)

Gene: ALG6 (ALG6 alpha-1,3-glucosyltransferase; plus strand). Cytogenetic location: 1p31.3.
Variant type: Deletion.
Coding change: c.341del on transcript NM_013339.4 (MANE Select); coding-DNA position 341, one base deleted (C; older notation c.341delC).
Protein change: p.Thr114fs; shifts the reading frame from threonine 114.
Molecular consequence: frameshift variant.
Genome position (GRCh38, 1-based): chr1:63,404,536, C deleted. VCF-style (leftmost placement, unchanged base first): chr1-63404535-AC-A. GRCh37 (hg19) VCF-style: chr1-63870206-AC-A.
Other names: short protein forms T114fs.
Identifiers: ClinVar variation 5014130 (VCV005014130.1).

ClinVar aggregate classification (germline): Pathogenic (1 of 4 stars; one submission).

Conditions:
ALG6-congenital disorder of glycosylation 1C (CDG1C). Also called: CDG Ic; CARBOHYDRATE-DEFICIENT GLYCOPROTEIN SYNDROME, TYPE I, WITH DEFICIENT GLYCOSYLATION OF DOLICHOL-LINKED OLIGOSACCHARIDE; CARBOHYDRATE-DEFICIENT GLYCOPROTEIN SYNDROME, TYPE V; Congenital disorder of glycosylation type 1C; Congenital disorder of glycosylation, type Ic. Identifiers: Orphanet 79320, MedGen C2930997, MONDO:0011291, OMIM 603147.

Submission:

Myriad Genetics, Inc.
Classification: Pathogenic for ALG6-congenital disorder of glycosylation 1C. Last evaluated: 2025-02-26. Review status: criteria provided, single submitter. Criteria: Myriad Autosomal Dominant, Autosomal Recessive and X-Linked Classification Criteria (2023). Collection method: clinical testing. Allele origin: unknown.
Comment: NM_013339.3(ALG6):c.341delC(T114Kfs*4) is expected to be pathogenic in the context of congenital disorder of glycosylation, ALG6-related. This variant is predicted to lead to an abnormal or absent protein product due to the creation of a premature termination codon in ALG6, a gene where loss-of-function variants are known to be pathogenic. Please note: this variant was assessed in the context of healthy population screening.